The following is an entry in ClinVar:

NM_000257.4(MYH7):c.4135G>T (p.Ala1379Ser)

Gene: MYH7 (myosin heavy chain 7; minus strand). Cytogenetic location: 14q11.2.
Variant type: single nucleotide variant.
Coding change: c.4135G>T on transcript NM_000257.4 (MANE Select); coding-DNA position 4135, G replaced by T.
Protein change: p.Ala1379Ser; replaces alanine 1379 with serine.
Molecular consequence: missense variant.
Genome position (GRCh38, 1-based): chr14:23,418,244, C>A on the plus strand (G>T on the coding strand, the complement: MYH7 is on the minus strand). VCF-style: chr14-23418244-C-A. GRCh37 (hg19) VCF-style: chr14-23887453-C-A.
Other names: short protein forms A1379S.
Identifiers: ClinVar variation 454374 (VCV000454374.8), dbSNP rs397516202, ClinGen allele CA389040813.

ClinVar aggregate classification (germline): Likely pathogenic (1 of 4 stars; one submission).

Conditions:
Hypertrophic cardiomyopathy. Also called: HYPERTROPHIC MYOCARDIOPATHY. Identifiers: Orphanet 217569, MedGen C0007194, MeSH D002312, MONDO:0005045, HP:0001639.

Submission:

Labcorp Genetics (formerly Invitae), Labcorp
Classification: Likely pathogenic for Hypertrophic cardiomyopathy. Last evaluated: 2022-12-17. Review status: criteria provided, single submitter. Criteria: Invitae Variant Classification Sherloc (09022015). Collection method: clinical testing. Allele origin: germline.
Comment: In summary, the currently available evidence indicates that the variant is pathogenic, but additional data are needed to prove that conclusively. Therefore, this variant has been classified as Likely Pathogenic. This sequence change replaces alanine, which is neutral and non-polar, with serine, which is neutral and polar, at codon 1379 of the MYH7 protein (p.Ala1379Ser). This variant is not present in population databases (gnomAD no frequency). This missense change has been observed in individual(s) with hypertrophic cardiomyopathy (Invitae). ClinVar contains an entry for this variant (Variation ID: 454374). Advanced modeling of protein sequence and biophysical properties (such as structural, functional, and spatial information, amino acid conservation, physicochemical variation, residue mobility, and thermodynamic stability) performed at Invitae indicates that this missense variant is expected to disrupt MYH7 protein function. This variant disrupts the p.Ala1379 amino acid residue in MYH7. Other variant(s) that disrupt this residue have been determined to be pathogenic (PMID: 11861413, 27532257). This suggests that this residue is clinically significant, and that variants that disrupt this residue are likely to be disease-causing.

Literature cited by the submitters: PubMed 11861413; PubMed 27532257.